The following is an entry in ClinVar:

NM_001329752.2(TIMCC):c.554G>A (p.Arg185His)

Gene: TIMCC (TIM double twin CX3C motif chaperone; minus strand). Cytogenetic location: 2p13.3.
Variant type: single nucleotide variant.
Coding change: c.554G>A on transcript NM_001329752.2 (MANE Select); coding-DNA position 554, G replaced by A.
Protein change: p.Arg185His; replaces arginine 185 with histidine.
Molecular consequence: missense variant.
Genome position (GRCh38, 1-based): chr2:70,297,473, C>T on the plus strand (G>A on the coding strand, the complement: TIMCC is on the minus strand). VCF-style: chr2-70297473-C-T. GRCh37 (hg19) VCF-style: chr2-70524605-C-T.
Other names: c.488G>A, p.Arg163His (NM_001329753.2); c.140G>A, p.Arg47His (NM_001329755.2, NM_001329757.2, NM_001329758.2); c.233G>A, p.Arg78His (NM_032822.3); short protein forms R163H, R185H, R47H, R78H.
Identifiers: ClinVar variation 1879473 (VCV001879473.29), dbSNP rs543076072, ClinGen allele CA1698459.

ClinVar aggregate classification (germline): Benign (1 of 4 stars; one submission).

Allele frequency attached by ClinVar (database versions not stated): gnomAD 0.00009; ExAC 0.00038; 1000 Genomes Project 0.00100; 1000 Genomes Project 30x 0.00109.
gnomAD v4.1: 173 of 1,613,590 alleles (0.011%); highest among the groups gnomAD compares: South Asian, 0.15%; 1 homozygote.

Submission:

CeGaT Center for Human Genetics Tuebingen
Classification: Benign. Last evaluated: 2022-11-01. Review status: criteria provided, single submitter. Criteria: CeGaT Center For Human Genetics Tuebingen Variant Classification Criteria Version 2. Collection method: clinical testing. Allele origin: germline. Affected: yes. Observed: 1 variant allele.
Comment: TIMCC: BS1, BS2